The following is an entry in ClinVar:

NM_001369.3(DNAH5):c.6061+1G>T

Gene: DNAH5 (dynein axonemal heavy chain 5; minus strand). Cytogenetic location: 5p15.2.
Variant type: single nucleotide variant.
Coding change: c.6061+1G>T on transcript NM_001369.3 (MANE Select); the canonical splice donor site of the intron after coding-DNA position 6061, G replaced by T.
Molecular consequence: splice donor variant.
Genome position (GRCh38, 1-based): chr5:13,830,596, C>A on the plus strand (G>T on the coding strand, the complement: DNAH5 is on the minus strand). VCF-style: chr5-13830596-C-A. GRCh37 (hg19) VCF-style: chr5-13830705-C-A.
Identifiers: ClinVar variation 5004108 (VCV005004108.1).

ClinVar aggregate classification (germline): Likely pathogenic (1 of 4 stars; one submission).

Conditions:
Primary ciliary dyskinesia 3. Identifiers: Orphanet 244, MedGen C1837618, MONDO:0012085, OMIM 608644.

Submission:

Myriad Genetics, Inc.
Classification: Likely pathogenic for Primary ciliary dyskinesia 3. Last evaluated: 2025-08-07. Review status: criteria provided, single submitter. Criteria: Myriad Autosomal Dominant, Autosomal Recessive and X-Linked Classification Criteria (2023). Collection method: clinical testing. Allele origin: unknown.
Comment: NM_001369.2(DNAH5):c.6061+1G>T is a variant in a canonical splice site classified as likely pathogenic in the context of primary ciliary dyskinesia, DNAH5-related. c.6061+1G>T has not been observed in cases with relevant disease. Relevant functional assessments of this variant are not available in the literature. c.6061+1G>T has not been observed in referenced population frequency databases. In summary, NM_001369.2(DNAH5):c.6061+1G>T is a variant in a canonical splice site in a gene where loss of function is a known mechanism of disease and is predicted to disrupt protein function. Please note: this variant was assessed in the context of healthy population screening.